The following is an entry in ClinVar:

NM_182493.3(MYLK3):c.1988A>G (p.Tyr663Cys)

Gene: MYLK3 (myosin light chain kinase 3; minus strand). Cytogenetic location: 16q11.2.
Variant type: single nucleotide variant.
Coding change: c.1988A>G on transcript NM_182493.3 (MANE Select); coding-DNA position 1988, A replaced by G.
Protein change: p.Tyr663Cys; replaces tyrosine 663 with cysteine.
Molecular consequence: missense variant.
Genome position (GRCh38, 1-based): chr16:46,712,774, T>C on the plus strand (A>G on the coding strand, the complement: MYLK3 is on the minus strand). VCF-style: chr16-46712774-T-C. GRCh37 (hg19) VCF-style: chr16-46746686-T-C.
Other names: c.965A>G, p.Tyr322Cys (NM_001308301.1); short protein forms Y322C, Y663C.
Identifiers: ClinVar variation 1466384 (VCV001466384.6), dbSNP rs750129834, ClinGen allele CA8037757.

ClinVar aggregate classification (germline): Uncertain significance (1 of 4 stars; one submission).

Allele frequency attached by ClinVar (database versions not stated): gnomAD exomes below 0.00001; TOPMed below 0.00001; ExAC 0.00001.
gnomAD v4.1: 2 of 1,591,372 alleles (0.00013%); highest among the groups gnomAD compares: Admixed American, 0.0018%; no homozygotes.

Submission:

Labcorp Genetics (formerly Invitae), Labcorp
Classification: Uncertain significance. Last evaluated: 2025-11-17. Review status: criteria provided, single submitter. Criteria: Invitae Variant Classification Sherloc (09022015). Collection method: clinical testing. Allele origin: germline.
Comment: This sequence change replaces tyrosine, which is neutral and polar, with cysteine, which is neutral and slightly polar, at codon 663 of the MYLK3 protein (p.Tyr663Cys). The frequency data for this variant in the population databases is considered unreliable, as metrics indicate poor data quality at this position in the gnomAD database. This variant has not been reported in the literature in individuals affected with MYLK3-related conditions. ClinVar contains an entry for this variant (Variation ID: 1466384). An algorithm developed to predict the effect of missense changes on protein structure and function (PolyPhen-2) suggests that this variant is likely to be disruptive. In summary, the available evidence is currently insufficient to determine the role of this variant in disease. Therefore, it has been classified as a Variant of Uncertain Significance.